The following is an entry in ClinVar:

NM_000455.5(STK11):c.863-1G>C

Gene: STK11 (serine/threonine kinase 11; plus strand). Cytogenetic location: 19p13.3.
Variant type: single nucleotide variant.
Coding change: c.863-1G>C on transcript NM_000455.5 (MANE Select); the canonical splice acceptor site of the intron before coding-DNA position 863, G replaced by C.
Molecular consequence: splice acceptor variant.
Genome position (GRCh38, 1-based): chr19:1,221,948, G>C. VCF-style: chr19-1221948-G-C. GRCh37 (hg19) VCF-style: chr19-1221947-G-C.
Other names: c.863-1G>C (NM_001407255.1).
Identifiers: ClinVar variation 1065904 (VCV001065904.11), dbSNP rs863224448, ClinGen allele CA402951139.

ClinVar aggregate classification (germline): Pathogenic/Likely pathogenic. Review status: criteria provided, multiple submitters, no conflicts (2 of 4 stars). 2 submissions from 2 submitters: Pathogenic (1); Likely pathogenic (1). Last evaluated 2025-01-10.

Conditions:
Peutz-Jeghers syndrome (PJS). Also called: POLYPOSIS, HAMARTOMATOUS INTESTINAL; POLYPS-AND-SPOTS SYNDROME; Peutz-Jeghers polyposis; Periorificial lentiginosis syndrome. Identifiers: Orphanet 2869, MedGen C0031269, MeSH D010580, MONDO:0008280, OMIM 175200.

Submissions (3):

Department of Clinical Genetics, Copenhagen University Hospital, Rigshospitalet
Classification: Pathogenic for Peutz-Jeghers syndrome. Last evaluated: 2025-01-10. Review status: criteria provided, single submitter. Criteria: ACMG Guidelines, 2015. Collection method: clinical testing. Allele origin: germline. Affected: yes.
Comment: The following ACMG criteria was used: PVS1; PM2_SUP; PS4_SUP

Labcorp Genetics (formerly Invitae), Labcorp
Classification: Likely pathogenic for Peutz-Jeghers syndrome. Last evaluated: 2022-11-22. Review status: criteria provided, single submitter. Criteria: Invitae Variant Classification Sherloc (09022015). Collection method: clinical testing. Allele origin: germline.
Comment: In summary, the currently available evidence indicates that the variant is pathogenic, but additional data are needed to prove that conclusively. Therefore, this variant has been classified as Likely Pathogenic. Algorithms developed to predict the effect of sequence changes on RNA splicing suggest that this variant may disrupt the consensus splice site. ClinVar contains an entry for this variant (Variation ID: 1065904). Disruption of this splice site has been observed in individual(s) with Peutz-Jeghers syndrome (PMID: 26979979). This variant is not present in population databases (gnomAD no frequency). This sequence change affects an acceptor splice site in intron 6 of the STK11 gene. It is expected to disrupt RNA splicing. Variants that disrupt the donor or acceptor splice site typically lead to a loss of protein function (PMID: 16199547), and loss-of-function variants in STK11 are known to be pathogenic (PMID: 15188174, 16287113).

Dr. Peter K. Rogan Lab, Western University
No classification provided (evidence only). Condition: Lung cancer. Review status: no classification provided. Collection method: in vitro. Allele origin: not applicable. Functional consequence: retained intron. Not counted in ClinVar's aggregate classification.

Literature cited by the submitters: PubMed 37017260 (cited by Department of Clinical Genetics, Copenhagen University Hospital, Rigshospitalet); PubMed 26979979 (cited by Labcorp Genetics (formerly Invitae), Labcorp); PubMed 16199547 (cited by Labcorp Genetics (formerly Invitae), Labcorp); PubMed 15188174 (cited by Labcorp Genetics (formerly Invitae), Labcorp); PubMed 16287113 (cited by Labcorp Genetics (formerly Invitae), Labcorp).